The following is an entry in ClinVar:

NM_001134363.3(RBM20):c.42C>G (p.Ser14Arg)

Gene: RBM20 (RNA binding motif protein 20; plus strand). Cytogenetic location: 10q25.2.
Variant type: single nucleotide variant.
Coding change: c.42C>G on transcript NM_001134363.3 (MANE Select); coding-DNA position 42, C replaced by G.
Protein change: p.Ser14Arg; replaces serine 14 with arginine.
Molecular consequence: missense variant.
Genome position (GRCh38, 1-based): chr10:110,644,496, C>G. VCF-style: chr10-110644496-C-G. GRCh37 (hg19) VCF-style: chr10-112404254-C-G.
Other names: p.S14R:AGC>AGG; c.42C>G (LRG_382t1); short protein forms S14R.
Identifiers: ClinVar variation 202076 (VCV000202076.15), dbSNP rs541043583, ClinGen allele CA335577.

ClinVar aggregate classification (germline): Conflicting classifications of pathogenicity. Review status: criteria provided, conflicting classifications (1 of 4 stars). 4 submissions from 4 submitters: Uncertain significance (3); Benign (1). Last evaluated 2025-12-23.

Conditions:
Cardiovascular phenotype. Identifiers: MedGen CN230736.
Dilated cardiomyopathy 1DD (CMD1DD). Identifiers: Orphanet 154, MedGen C2750995, MONDO:0013168, OMIM 613172.

Allele frequency attached by ClinVar (database versions not stated): gnomAD exomes 0.00001; gnomAD 0.00003 and 0.00004; TOPMed 0.00003; ExAC 0.00009; 1000 Genomes Project 0.00020; 1000 Genomes Project 30x 0.00031.
gnomAD v4.1: 7 of 1,523,228 alleles (0.00046%); highest among the groups gnomAD compares: African/African-American, 0.0071%; no homozygotes.

Submissions (4):

Labcorp Genetics (formerly Invitae), Labcorp
Classification: Benign for Dilated cardiomyopathy 1DD. Last evaluated: 2025-12-23. Review status: criteria provided, single submitter. Criteria: Invitae Variant Classification Sherloc (09022015). Collection method: clinical testing. Allele origin: germline.

Ambry Genetics
Classification: Uncertain significance for Cardiovascular phenotype. Last evaluated: 2024-10-16. Review status: criteria provided, single submitter. Criteria: Ambry Variant Classification Scheme 2023. Collection method: clinical testing. Allele origin: germline.
Comment: The p.S14R variant (also known as c.42C>G), located in coding exon 1 of the RBM20 gene, results from a C to G substitution at nucleotide position 42. The serine at codon 14 is replaced by arginine, an amino acid with dissimilar properties. This amino acid position is well conserved in available vertebrate species. In addition, this alteration is predicted to be tolerated by in silico analysis. Based on the available evidence, the clinical significance of this variant remains unclear.

Fulgent Genetics
Classification: Uncertain significance for Dilated cardiomyopathy 1DD. Last evaluated: 2021-07-27. Review status: criteria provided, single submitter. Criteria: ACMG Guidelines, 2015. Collection method: clinical testing. Allele origin: unknown.

GeneDx
Classification: Uncertain significance. Last evaluated: 2012-11-19. Review status: criteria provided, single submitter. Criteria: GeneDx Variant Classification (06012015). Collection method: clinical testing. Allele origin: germline. Affected: yes.
Comment: p.Ser14Arg (AGC>AGG): c.42 C>G in exon 1 of the RBM20 gene (NM_001134363.1). The Ser14Arg variant in the RBM20 gene has not been reported as a disease-causing mutation or as a benign polymorphism to our knowledge. Ser14Arg results in a semi-conservative amino acid substitution of a neutral, polar Serine with a positively charged Arginine at a position that is conserved across species. In silico analysis predicts Ser14Arg is probably damaging to the protein structure/function. Furthermore, the NHLBI ESP Exome Variant Server reports Ser14Arg was not observed in approximately 2,000 samples from individuals of European and African American backgrounds, indicating it is not a common benign variant in these populations. Nevertheless, no mutations in nearby codons have been reported in association with cardiomyopathy. With the clinical and molecular information available at this time, we cannot definitively determine if Ser14Arg is a disease-causing mutation or a rare benign variant. The variant is found in DCM panel(s).